The following is an entry in ClinVar:

ClinVar aggregate classification (germline): Uncertain significance. Review status: criteria provided, multiple submitters, no conflicts (2 of 4 stars). 4 submissions from 4 submitters: Uncertain significance (4). Last evaluated 2025-10-13.

Conditions:
Hereditary cancer-predisposing syndrome. Also called: Hereditary neoplastic syndrome; Neoplastic Syndromes, Hereditary; Tumor predisposition; Hereditary Cancer Syndrome. Identifiers: Orphanet 140162, MedGen C0027672, MeSH D009386, MONDO:0015356.
BAP1-related tumor predisposition syndrome (TPDS1). Also called: COMMON Syndrome; Tumor susceptibility linked to germline BAP1 mutations; BAP1 tumor predisposition syndrome; TUMOR PREDISPOSITION SYNDROME 1. Identifiers: Orphanet 289539, MedGen C3280492, MONDO:0013692, OMIM 614327.

Allele frequency attached by ClinVar (database versions not stated): TOPMed below 0.00001; gnomAD 0.00001; ESP Exome Variant Server 0.00008.
gnomAD v4.1: 4 of 1,613,518 alleles (0.00025%); highest among the groups gnomAD compares: Non-Finnish European, 0.00034%; no homozygotes.

Submissions (4):

Labcorp Genetics (formerly Invitae), Labcorp
Classification: Uncertain significance for BAP1-related tumor predisposition syndrome. Last evaluated: 2025-10-13. Review status: criteria provided, single submitter. Criteria: Invitae Variant Classification Sherloc (09022015). Collection method: clinical testing. Allele origin: germline.
Comment: This sequence change replaces leucine, which is neutral and non-polar, with valine, which is neutral and non-polar, at codon 377 of the BAP1 protein (p.Leu377Val). This variant is not present in population databases (gnomAD no frequency). This variant has not been reported in the literature in individuals affected with BAP1-related conditions. ClinVar contains an entry for this variant (Variation ID: 1315656). Invitae Evidence Modeling of protein sequence and biophysical properties (such as structural, functional, and spatial information, amino acid conservation, physicochemical variation, residue mobility, and thermodynamic stability) indicates that this missense variant is not expected to disrupt BAP1 protein function with a negative predictive value of 80%. In summary, the available evidence is currently insufficient to determine the role of this variant in disease. Therefore, it has been classified as a Variant of Uncertain Significance.

Ambry Genetics
Classification: Uncertain significance for Hereditary cancer-predisposing syndrome. Last evaluated: 2024-04-29. Review status: criteria provided, single submitter. Criteria: Ambry Variant Classification Scheme 2023. Collection method: clinical testing. Allele origin: germline.
Comment: The p.L377V variant (also known as c.1129C>G), located in coding exon 12 of the BAP1 gene, results from a C to G substitution at nucleotide position 1129. The leucine at codon 377 is replaced by valine, an amino acid with highly similar properties. This amino acid position is highly conserved in available vertebrate species. In addition, this alteration is predicted to be tolerated by in silico analysis. Since supporting evidence is limited at this time, the clinical significance of this alteration remains unclear.

Color Diagnostics, LLC DBA Color Health
Classification: Uncertain significance for Hereditary cancer-predisposing syndrome. Last evaluated: 2024-03-06. Review status: criteria provided, single submitter. Criteria: ACMG Guidelines, 2015. Collection method: clinical testing. Allele origin: germline.
Comment: This missense variant replaces leucine with valine at codon 377 of the BAP1 protein. Computational prediction suggests that this variant may not impact protein structure and function (internally defined REVEL score threshold <= 0.5, PMID: 27666373). To our knowledge, functional studies have not been reported for this variant. This variant has not been reported in individuals affected with hereditary cancer in the literature. This variant has not been identified in the general population by the Genome Aggregation Database (gnomAD). The available evidence is insufficient to determine the role of this variant in disease conclusively. Therefore, this variant is classified as a Variant of Uncertain Significance.

GeneDx
Classification: Uncertain significance. Last evaluated: 2019-05-02. Review status: criteria provided, single submitter. Criteria: GeneDx Variant Classification Process June 2021. Collection method: clinical testing. Allele origin: germline. Affected: yes.
Comment: Not observed in large population cohorts (Lek et al., 2016); In silico analysis, which includes protein predictors and evolutionary conservation, supports that this variant does not alter protein structure/function; Has not been previously published as pathogenic or benign to our knowledge

NM_004656.4(BAP1):c.1129C>G (p.Leu377Val)

Gene: BAP1 (BRCA1 associated deubiquitinase 1; minus strand). Cytogenetic location: 3p21.1.
Variant type: single nucleotide variant.
Coding change: c.1129C>G on transcript NM_004656.4 (MANE Select); coding-DNA position 1129, C replaced by G.
Protein change: p.Leu377Val; replaces leucine 377 with valine.
Molecular consequence: missense variant.
Genome position (GRCh38, 1-based): chr3:52,404,574, G>C on the plus strand (C>G on the coding strand, the complement: BAP1 is on the minus strand). VCF-style: chr3-52404574-G-C. GRCh37 (hg19) VCF-style: chr3-52438590-G-C.
Other names: short protein forms L377V.
Identifiers: ClinVar variation 1315656 (VCV001315656.14), dbSNP rs376033003, ClinGen allele CA74741508.